The following is an entry in ClinVar:

NM_007279.3(U2AF2):c.1212C>T (p.Asp404=)

Gene: U2AF2 (U2 small nuclear RNA auxiliary factor 2; plus strand). Cytogenetic location: 19q13.42.
Variant type: single nucleotide variant.
Coding change: c.1212C>T on transcript NM_007279.3 (MANE Select); coding-DNA position 1212, C replaced by T.
Protein change: p.Asp404=; no amino-acid change (aspartic acid 404 retained).
Molecular consequence: synonymous variant.
Genome position (GRCh38, 1-based): chr19:55,669,611, C>T. VCF-style: chr19-55669611-C-T. GRCh37 (hg19) VCF-style: chr19-56180977-C-T.
Other names: c.1200C>T, p.Asp400= (NM_001012478.2).
Identifiers: ClinVar variation 4533899 (VCV004533899.6).

ClinVar aggregate classification (germline): Likely benign (1 of 4 stars; one submission).

gnomAD v4.1: 720 of 1,613,532 alleles (0.045%); highest among the groups gnomAD compares: Non-Finnish European, 0.011%; 9 homozygotes.

Submission:

CeGaT Center for Human Genetics Tuebingen
Classification: Likely benign. Last evaluated: 2025-10-01. Review status: criteria provided, single submitter. Criteria: CeGaT Center For Human Genetics Tuebingen Variant Classification Criteria Version 2. Collection method: clinical testing. Allele origin: germline. Affected: yes. Observed: 1 variant allele.
Comment: U2AF2: BP4, BP7